The following is an entry in ClinVar:

ClinVar aggregate classification (germline): Likely benign. Review status: criteria provided, single submitter (1 of 4 stars). 2 submissions from 2 submitters: Likely benign (1). 1 of the submissions does not count toward it. Last evaluated 2022-07-01.

Conditions:
TJP1-related disorder. Also called: TJP1-related condition.

Allele frequency attached by ClinVar (database versions not stated): 1000 Genomes Project 30x 0.00109; 1000 Genomes Project 0.00120; ESP Exome Variant Server 0.00191; ExAC 0.00211; gnomAD 0.00216; TOPMed 0.00242; gnomAD exomes 0.00256.
gnomAD v4.1: 4,158 of 1,614,042 alleles (0.26%); highest among the groups gnomAD compares: Middle Eastern, 0.69%; 13 homozygotes.

Submissions (2):

CeGaT Center for Human Genetics Tuebingen
Classification: Likely benign. Last evaluated: 2022-07-01. Review status: criteria provided, single submitter. Criteria: CeGaT Center For Human Genetics Tuebingen Variant Classification Criteria Version 2. Collection method: clinical testing. Allele origin: germline. Affected: yes. Observed: 1 variant allele.
Comment: TJP1: BP4

PreventionGenetics, part of Exact Sciences
Classification: Benign for TJP1-related condition. Last evaluated: 2019-06-07. Review status: no assertion criteria provided. Collection method: clinical testing. Allele origin: germline. Not counted in ClinVar's aggregate classification.
Comment: This variant is classified as benign based on ACMG/AMP sequence variant interpretation guidelines (Richards et al. 2015 PMID: 25741868, with internal and published modifications).

NM_001330239.4(TJP1):c.2071C>T (p.Leu691=)

Gene: TJP1 (tight junction protein 1; minus strand). Cytogenetic location: 15q13.1.
Variant type: single nucleotide variant.
Coding change: c.2071C>T on transcript NM_001330239.4 (MANE Select); coding-DNA position 2071, C replaced by T.
Protein change: p.Leu691=; no amino-acid change (leucine 691 retained).
Molecular consequence: synonymous variant.
Genome position (GRCh38, 1-based): chr15:29,727,966, G>A on the plus strand (C>T on the coding strand, the complement: TJP1 is on the minus strand). VCF-style: chr15-29727966-G-A. GRCh37 (hg19) VCF-style: chr15-30020170-G-A.
Other names: c.2350C>T, p.Leu784= (NM_001301025.3, NM_001355012.2); c.2083C>T, p.Leu695= (NM_001301026.2, NM_001355013.1); c.2071C>T, p.Leu691= (NM_001355014.2, NM_001355015.2, NM_003257.5 and 1 more transcripts); c.2350C>T (NM_001355012.1).
Identifiers: ClinVar variation 2645099 (VCV002645099.25), dbSNP rs28420381, ClinGen allele CA7447104.